The following is an entry in ClinVar:

NM_006947.4(SRP72):c.1865C>T (p.Pro622Leu)

Gene: SRP72 (signal recognition particle 72; plus strand). Cytogenetic location: 4q12.
Variant type: single nucleotide variant.
Coding change: c.1865C>T on transcript NM_006947.4 (MANE Select); coding-DNA position 1865, C replaced by T.
Protein change: p.Pro622Leu; replaces proline 622 with leucine.
Molecular consequence: missense variant. On other transcripts: non-coding transcript variant (1).
Genome position (GRCh38, 1-based): chr4:56,501,710, C>T. VCF-style: chr4-56501710-C-T. GRCh37 (hg19) VCF-style: chr4-57367876-C-T.
Other names: c.1865C>T (NM_006947.3); c.1682C>T, p.Pro561Leu (NM_001267722.2); short protein forms P561L, P622L.
Identifiers: ClinVar variation 3652699 (VCV003652699.3).
Genomic context (GRCh38, chr4:56,501,710, plus strand): 5'-ATATGAGTGACCAAAAATGATCTGATGATTTCAGGGATGCCAGTAAAACTGTGAGCAGCC[C>T]ACCCACCTCCCCAAGACCTGGCAGTGCTGCAACAGTATCTGCCTCTACAAGTAACATCAT-3'
Protein context (NP_008878.3, residues 612-632): ELDASKTVSS[Pro622Leu]PTSPRPGSAA

ClinVar aggregate classification (germline): Uncertain significance. Review status: criteria provided, multiple submitters, no conflicts (2 of 4 stars). 2 submissions from 2 submitters: Uncertain significance (2). Last evaluated 2026-04-04.

gnomAD v4.1: 4 of 1,613,908 alleles (0.00025%); highest among the groups gnomAD compares: Non-Finnish European, 0.00025%; no homozygotes.

Submissions (2):

Ambry Genetics
Classification: Uncertain significance. Last evaluated: 2026-04-04. Review status: criteria provided, single submitter. Criteria: Ambry Variant Classification Scheme 2023. Collection method: clinical testing. Allele origin: germline.
Comment: The p.P622L variant (also known as c.1865C>T), located in coding exon 19 of the SRP72 gene, results from a C to T substitution at nucleotide position 1865. The proline at codon 622 is replaced by leucine, an amino acid with similar properties. This amino acid position is conserved. In addition, the in silico prediction for this alteration is inconclusive. Based on the available evidence, the clinical significance of this variant remains unclear.

Labcorp Genetics (formerly Invitae), Labcorp
Classification: Uncertain significance. Last evaluated: 2024-09-14. Review status: criteria provided, single submitter. Criteria: Invitae Variant Classification Sherloc (09022015). Collection method: clinical testing. Allele origin: germline.
Comment: This sequence change replaces proline, which is neutral and non-polar, with leucine, which is neutral and non-polar, at codon 622 of the SRP72 protein (p.Pro622Leu). This variant is not present in population databases (gnomAD no frequency). This variant has not been reported in the literature in individuals affected with SRP72-related conditions. Invitae Evidence Modeling of protein sequence and biophysical properties (such as structural, functional, and spatial information, amino acid conservation, physicochemical variation, residue mobility, and thermodynamic stability) indicates that this missense variant is not expected to disrupt SRP72 protein function with a negative predictive value of 80%. In summary, the available evidence is currently insufficient to determine the role of this variant in disease. Therefore, it has been classified as a Variant of Uncertain Significance.